The following is an entry in ClinVar:

NM_001367624.2(ZNF469):c.6444del (p.Gln2149fs)

Gene: ZNF469 (zinc finger protein 469; plus strand). Cytogenetic location: 16q24.2.
Variant type: Deletion.
Coding change: c.6444del on transcript NM_001367624.2 (MANE Select); coding-DNA position 6444, one base deleted (G; older notation c.6444delG).
Protein change: p.Gln2149fs; shifts the reading frame from glutamine 2149.
Molecular consequence: frameshift variant.
Genome position (GRCh38, 1-based): chr16:88,433,914, G deleted; the last of 7 consecutive G bases (chr16:88,433,908-88,433,914); deleting any one gives the same sequence. VCF-style (leftmost placement, unchanged base first): chr16-88433907-TG-T. GRCh37 (hg19) VCF-style: chr16-88500315-TG-T.
Other names: NM_001127464.1:c.6360delG; c.6444delG (NM_001367624.2); short protein forms Q2149fs.
Identifiers: ClinVar variation 291239 (VCV000291239.14), dbSNP rs886044697, ClinGen allele CA10607074.

ClinVar aggregate classification (germline): Pathogenic/Likely pathogenic. Review status: criteria provided, multiple submitters, no conflicts (2 of 4 stars). 7 submissions from 7 submitters: Pathogenic (5); Likely pathogenic (2). Last evaluated 2026-01-12.

Conditions:
Cardiovascular phenotype. Identifiers: MedGen CN230736.
Brittle cornea syndrome 1 (BCS1). Also called: DYSGENESIS MESODERMALIS CORNEAE ET SCLERAE; FRAGILITAS OCULI WITH JOINT HYPEREXTENSIBILITY; Corneal fragility keratoglobus, blue sclerae AND joint hypermobility; CORNEAL FRAGILITY, KERATOGLOBUS, BLUE SCLERAE, JOINT HYPEREXTENSIBILITY; EDS6B. Identifiers: Orphanet 90354, MedGen C0268344, MONDO:0024543, OMIM 229200.

Submissions (7):

Women's Health and Genetics/Laboratory Corporation of America, LabCorp
Classification: Pathogenic for Brittle cornea syndrome 1. Last evaluated: 2026-01-12. Review status: criteria provided, single submitter. Criteria: LabCorp Variant Classification Summary - May 2015. Collection method: clinical testing. Allele origin: germline.
Comment: Variant summary: ZNF469 c.6444delG (p.Gln2149SerfsX51) results in a premature termination codon, predicted to cause a truncation of the encoded protein or absence of the protein due to nonsense mediated decay, which are commonly known mechanisms for disease. The frequency data for this variant in gnomAD is considered unreliable, as metrics indicate poor data quality at this position. c.6444delG has been observed in individual(s) affected with Brittle cornea syndrome 1 (Rohrbach_2013). These data indicate that the variant is likely to be associated with disease. To our knowledge, no experimental evidence demonstrating an impact on protein function has been reported. The following publication have been ascertained in the context of this evaluation (PMID: 23680354). ClinVar contains an entry for this variant (Variation ID: 291239). Based on the evidence outlined above, the variant was classified as pathogenic.

Labcorp Genetics (formerly Invitae), Labcorp
Classification: Pathogenic. Last evaluated: 2025-04-13. Review status: criteria provided, single submitter. Criteria: Invitae Variant Classification Sherloc (09022015). Collection method: clinical testing. Allele origin: germline.
Comment: This sequence change creates a premature translational stop signal (p.Gln2121Serfs*51) in the ZNF469 gene. While this is not anticipated to result in nonsense mediated decay, it is expected to disrupt the last 1805 amino acid(s) of the ZNF469 protein. The frequency data for this variant in the population databases is considered unreliable, as metrics indicate poor data quality at this position in the gnomAD database. This premature translational stop signal has been observed in individual(s) with brittle cornea syndrome (PMID: 23680354). This variant is also known as c.6444delG p.Gln2149Serfs*51. ClinVar contains an entry for this variant (Variation ID: 291239). This variant disrupts a region of the ZNF469 protein in which other variant(s) (p.Pro3556Glnfs*136) have been determined to be pathogenic (PMID: 32671420). This suggests that this is a clinically significant region of the protein, and that variants that disrupt it are likely to be disease-causing. For these reasons, this variant has been classified as Pathogenic.

Genomic Medicine Center of Excellence, King Faisal Specialist Hospital and Research Centre
Classification: Pathogenic for Brittle cornea syndrome 1. Last evaluated: 2024-10-13. Review status: criteria provided, single submitter. Criteria: ACMG Guidelines, 2015. Collection method: clinical testing. Allele origin: germline.
Comment: This sequence change creates a premature translational stop signal (GRCh38; NM_001367624.2:c.6444delp.Gln2149SerfsTer51) in the ZNF469 gene. This alteration is expected to result in loss of function by premature termination codon resulting in protein truncation, or nonsense-mediated mRNA decay. This alteration is interpreted as disease-causing mutation, a commonly known mechanism for disease. Not observed at significant frequency in large population cohorts (gnomAD). ClinVar contains an entry for this variant (Variation ID: 291239). This variant is associated with the following publications: PubMed: 23680354, 32671420

GeneDx
Classification: Likely pathogenic. Last evaluated: 2023-06-13. Review status: criteria provided, single submitter. Criteria: GeneDx Variant Classification Process June 2021. Collection method: clinical testing. Allele origin: germline. Affected: yes.
Comment: Not observed at significant frequency in large population cohorts (gnomAD); Frameshift variant predicted to result in protein truncation, as the last 1805 amino acids are replaced with 50 different amino acids, and other loss-of-function variants have been reported downstream in HGMD; This variant is associated with the following publications: (PMID: 23680354)

Greenwood Genetic Center Diagnostic Laboratories, Greenwood Genetic Center
Classification: Likely pathogenic for Brittle cornea syndrome 1. Last evaluated: 2023-05-04. Review status: criteria provided, single submitter. Criteria: ACMG Guidelines, 2015. Collection method: clinical testing. Allele origin: germline. Affected: yes.
Comment: PVS1_Strong, PM2, PM3_Supporting

Ambry Genetics
Classification: Pathogenic for Cardiovascular phenotype. Last evaluated: 2021-12-14. Review status: criteria provided, single submitter. Criteria: Ambry Variant Classification Scheme 2023. Collection method: clinical testing. Allele origin: germline.
Comment: The c.6360delG pathogenic mutation, located in coding exon 2 of the ZNF469 gene, results from a deletion of one nucleotide at nucleotide position 6360, causing a translational frameshift with a predicted alternate stop codon (p.Q2121Sfs*51). This alteration occurs at the 3' terminus of theZNF469 gene, is not expected to trigger nonsense-mediated mRNA decay, and impacts the last 54%/(2121/3925) of the protein. However, premature stop codons are typically deleterious in nature and a significant portion of the protein is affected. This alteration has been reported as homozygous in a subject with features of brittle cornea syndrome (Rohrbach M et al. Mol Genet Metab, 2013 Jul;109:289-95). This variant is considered to be rare based on population cohorts in the Genome Aggregation Database (gnomAD). Based on the supporting evidence, this alteration is interpreted as a disease-causing mutation.

Eurofins Ntd Llc (ga)
Classification: Pathogenic. Last evaluated: 2016-09-15. Review status: criteria provided, single submitter. Criteria: EGL Classification Definitions 2015. Collection method: clinical testing. Allele origin: germline.

Literature cited by the submitters: PubMed 23680354 (cited by 3 submitters); PubMed 32671420 (cited by Labcorp Genetics (formerly Invitae), Labcorp).